The following is an entry in ClinVar:

NM_170784.3(MKKS):c.715C>T (p.Leu239Phe)

Gene: MKKS (MKKS centrosomal shuttling protein; minus strand). Cytogenetic location: 20p12.2.
Variant type: single nucleotide variant.
Coding change: c.715C>T on transcript NM_170784.3 (MANE Select); coding-DNA position 715, C replaced by T.
Protein change: p.Leu239Phe; replaces leucine 239 with phenylalanine.
Molecular consequence: missense variant.
Genome position (GRCh38, 1-based): chr20:10,412,800, G>A on the plus strand (C>T on the coding strand, the complement: MKKS is on the minus strand). VCF-style: chr20-10412800-G-A. GRCh37 (hg19) VCF-style: chr20-10393448-G-A.
Other names: c.715C>T, p.Leu239Phe (NM_018848.3); short protein forms L239F.
Identifiers: ClinVar variation 1424839 (VCV001424839.8), dbSNP rs2064901215, ClinGen allele CA408232499.
Genomic context (GRCh38, chr20:10,412,800, plus strand): 5'-TTCCTTCTCCAGTGTCAGAAGTGTCTCCGGATAAAGTTGTACAAAAGAGTGCCACCTTGA[G>A]GGCAGTTGATTTTTTGATAGGTAATAGCCTCATTAATTGAACTTCTGACATTTCAATGAG-3'
Protein context (NP_740754.1, residues 229-249): RLLPIKKSTA[Leu239Phe]KVALFCTTLS

ClinVar aggregate classification (germline): Uncertain significance (1 of 4 stars; one submission).

Conditions:
McKusick-Kaufman syndrome (MKKS). Also called: HYDROMETROCOLPOS SYNDROME; HYDROMETROCOLPOS, POSTAXIAL POLYDACTYLY, AND CONGENITAL HEART MALFORMATION. Identifiers: Orphanet 2473, MedGen C0948368, MONDO:0009367, OMIM 236700.
Bardet-Biedl syndrome (BBS). Identifiers: Orphanet 110, MedGen C0752166, MONDO:0015229.

Submission:

Labcorp Genetics (formerly Invitae), Labcorp
Classification: Uncertain significance for McKusick-Kaufman syndrome; Bardet-Biedl syndrome. Last evaluated: 2020-11-21. Review status: criteria provided, single submitter. Criteria: Invitae Variant Classification Sherloc (09022015). Collection method: clinical testing. Allele origin: germline.
Comment: This variant has not been reported in the literature in individuals with MKKS-related conditions. This variant is not present in population databases (ExAC no frequency). This sequence change replaces leucine with phenylalanine at codon 239 of the MKKS protein (p.Leu239Phe). The leucine residue is moderately conserved and there is a small physicochemical difference between leucine and phenylalanine. Algorithms developed to predict the effect of missense changes on protein structure and function output the following: SIFT: "Tolerated"; PolyPhen-2: "Benign"; Align-GVGD: "Class C0". The phenylalanine amino acid residue is found in multiple mammalian species, suggesting that this missense change does not adversely affect protein function. These predictions have not been confirmed by published functional studies and their clinical significance is uncertain. In summary, the available evidence is currently insufficient to determine the role of this variant in disease. Therefore, it has been classified as a Variant of Uncertain Significance.